The following is an entry in ClinVar:

ClinVar aggregate classification (germline): Benign/Likely benign. Review status: criteria provided, multiple submitters, no conflicts (2 of 4 stars). 3 submissions from 3 submitters: Benign (1); Likely benign (2). Last evaluated 2026-04-01.

Conditions:
Spastic paraplegia. Identifiers: MedGen C0037772, HP:0001258.

Allele frequency attached by ClinVar (database versions not stated): gnomAD exomes 0.00064 and 0.00172; gnomAD 0.00071 and 0.00096; TOPMed 0.00105; 1000 Genomes Project 0.00339; ExAC 0.00340; 1000 Genomes Project 30x 0.00390.
gnomAD v4.1: 1,041 of 1,533,678 alleles (0.068%); highest among the groups gnomAD compares: East Asian, 1.1%; 10 homozygotes.

Submissions (3):

CeGaT Center for Human Genetics Tuebingen
Classification: Likely benign. Last evaluated: 2026-04-01. Review status: criteria provided, single submitter. Criteria: CeGaT Center For Human Genetics Tuebingen Variant Classification Criteria Version 2. Collection method: clinical testing. Allele origin: germline. Affected: yes. Observed: 2 variant alleles.
Comment: GJC2: BP4, BP7, BS1

Labcorp Genetics (formerly Invitae), Labcorp
Classification: Benign for Spastic paraplegia. Last evaluated: 2026-01-05. Review status: criteria provided, single submitter. Criteria: Invitae Variant Classification Sherloc (09022015). Collection method: clinical testing. Allele origin: germline.

Blueprint Genetics
Classification: Likely benign. Last evaluated: 2024-11-04. Review status: criteria provided, single submitter. Criteria: ACMG Guidelines, 2015. Collection method: clinical testing. Allele origin: germline.

NM_020435.4(GJC2):c.528G>A (p.Glu176=)

Gene: GJC2 (gap junction protein gamma 2; plus strand). Cytogenetic location: 1q42.13.
Variant type: single nucleotide variant.
Coding change: c.528G>A on transcript NM_020435.4 (MANE Select); coding-DNA position 528, G replaced by A.
Protein change: p.Glu176=; no amino-acid change (glutamic acid 176 retained).
Molecular consequence: synonymous variant.
Genome position (GRCh38, 1-based): chr1:228,158,286, G>A. VCF-style: chr1-228158286-G-A. GRCh37 (hg19) VCF-style: chr1-228345987-G-A.
Identifiers: ClinVar variation 458297 (VCV000458297.17), dbSNP rs201796910, ClinGen allele CA1430868.